The following is an entry in ClinVar:

NM_024422.6(DSC2):c.69+2T>G

Genes: DSC2 (desmocollin 2; minus strand), DSCAS (DSC1/DSC2 antisense RNA; plus strand). Cytogenetic location: 18q12.1.
Variant type: single nucleotide variant.
Coding change: c.69+2T>G on transcript NM_024422.6 (MANE Select); the canonical splice donor site of the intron after coding-DNA position 69, T replaced by G.
Molecular consequence: splice donor variant.
Genome position (GRCh38, 1-based): chr18:31,101,901, A>C on the plus strand (T>G on the coding strand, the complement: DSC2 is on the minus strand). VCF-style: chr18-31101901-A-C. GRCh37 (hg19) VCF-style: chr18-28681864-A-C.
Other names: c.69+2T>G (NM_004949.5).
Identifiers: ClinVar variation 956961 (VCV000956961.8), dbSNP rs1987974114, ClinGen allele CA402115198.

ClinVar aggregate classification (germline): Likely pathogenic (1 of 4 stars; one submission).

Conditions:
Arrhythmogenic right ventricular dysplasia 11. Also called: Arrhythmogenic Right Ventricular Dysplasia/Cardiomyopathy11; ARRHYTHMOGENIC RIGHT VENTRICULAR DYSPLASIA, FAMILIAL, 11; Arrhythmogenic right ventricular dysplasia 11 with mild palmoplantar keratoderma and woolly hair. Identifiers: MedGen C1864850, MONDO:0012506, OMIM 610476.

Submission:

Labcorp Genetics (formerly Invitae), Labcorp
Classification: Likely pathogenic for Arrhythmogenic right ventricular dysplasia 11. Last evaluated: 2019-07-05. Review status: criteria provided, single submitter. Criteria: Invitae Variant Classification Sherloc (09022015). Collection method: clinical testing. Allele origin: germline.
Comment: Algorithms developed to predict the effect of sequence changes on RNA splicing suggest that this variant may disrupt the consensus splice site, but this prediction has not been confirmed by published transcriptional studies. This variant has not been reported in the literature in individuals with DSC2-related conditions. The frequency data for this variant in the population databases is considered unreliable, as metrics indicate insufficient coverage at this position in the ExAC database. This sequence change affects a donor splice site in intron 1 of the DSC2 gene. It is expected to disrupt RNA splicing and likely results in an absent or disrupted protein product. Donor and acceptor splice site variants typically lead to a loss of protein function (PMID: 16199547), and loss-of-function variants in DSC2 are known to be pathogenic (PMID: 23911551). In summary, the currently available evidence indicates that the variant is pathogenic, but additional data are needed to prove that conclusively. Therefore, this variant has been classified as Likely Pathogenic.

Literature cited by the submitters: PubMed 16199547; PubMed 23911551.